The following is an entry in ClinVar:

NM_003073.5(SMARCB1):c.848T>C (p.Met283Thr)

Gene: SMARCB1 (SWI/SNF related BAF chromatin remodeling complex subunit B1; plus strand). Cytogenetic location: 22q11.23.
Variant type: single nucleotide variant.
Coding change: c.848T>C on transcript NM_003073.5 (MANE Select); coding-DNA position 848, T replaced by C.
Protein change: p.Met283Thr; replaces methionine 283 with threonine.
Molecular consequence: missense variant.
Genome position (GRCh38, 1-based): chr22:23,825,277, T>C. VCF-style: chr22-23825277-T-C. GRCh37 (hg19) VCF-style: chr22-24167464-T-C.
Other names: c.821T>C, p.Met274Thr (NM_001007468.3); c.875T>C, p.Met292Thr (NM_001317946.2); c.902T>C, p.Met301Thr (NM_001362877.2); short protein forms M292T, M283T, M274T, M301T.
Identifiers: ClinVar variation 5029934 (VCV005029934.1).
Genomic context (GRCh38, chr22:23,825,277, plus strand): 5'-TGCCTCAGCTGAACATCCATGTGGGAAACATTTCCCTGGTGGACCAGTTTGAGTGGGACA[T>C]GTCAGAGAAGGAGAACTCACCAGAGAAGTTTGCCCTGAAGCTGTGCTCGGAGCTGGGGTT-3'
Protein context (NP_003064.2, residues 273-293): ISLVDQFEWD[Met283Thr]SEKENSPEKF

ClinVar aggregate classification (germline): Uncertain significance (1 of 4 stars; one submission).

Conditions:
Hereditary cancer-predisposing syndrome. Also called: Neoplastic Syndromes, Hereditary; Tumor predisposition; Hereditary neoplastic syndrome; Hereditary Cancer Syndrome. Identifiers: Orphanet 140162, MedGen C0027672, MeSH D009386, MONDO:0015356.

gnomAD v4.1: 1 of 1,614,132 alleles (0.000062%); highest among the groups gnomAD compares: South Asian, 0.0011%; no homozygotes.

Submission:

Ambry Genetics
Classification: Uncertain significance for Hereditary cancer-predisposing syndrome. Last evaluated: 2026-07-07. Review status: criteria provided, single submitter. Criteria: Ambry Variant Classification Scheme 2023. Collection method: clinical testing. Allele origin: germline.
Comment: The p.M283T variant (also known as c.848T>C), located in coding exon 7 of the SMARCB1 gene, results from a T to C substitution at nucleotide position 848. The methionine at codon 283 is replaced by threonine, an amino acid with similar properties. This amino acid position is conserved. In addition, this alteration is predicted to be deleterious by in silico analysis. Based on the available evidence, the clinical significance of this variant remains unclear.